The following is an entry in ClinVar:

ClinVar aggregate classification (germline): Uncertain significance. Review status: criteria provided, multiple submitters, no conflicts (2 of 4 stars). 5 submissions from 5 submitters: Uncertain significance (5). Last evaluated 2022-05-12.

Conditions:
Cystic fibrosis (CF). Also called: MUCOVISCIDOSIS. Identifiers: Orphanet 586, MedGen C0010674, MONDO:0009061, OMIM 219700. Disease mechanism: loss of function.
Bronchiectasis with or without elevated sweat chloride 1 (BESC1). Also called: Cystic Fibrosis-Like Syndrome. Identifiers: Orphanet 60033, MedGen C2749757, MONDO:0008887, OMIM 211400.
Congenital bilateral aplasia of vas deferens from CFTR mutation (CBAVD). Identifiers: Orphanet 48, MedGen C0403814, MONDO:0010178, OMIM 277180. Disease mechanism: loss of function.
Hereditary pancreatitis (PCTT). Also called: Hereditary chronic pancreatitis; PRSS1-Related Hereditary Pancreatitis. Identifiers: Orphanet 676, MedGen C0238339, MONDO:0008185, OMIM 167800.

Submissions (5):

Fulgent Genetics
Classification: Uncertain significance for Hereditary pancreatitis; Bronchiectasis with or without elevated sweat chloride 1; Cystic fibrosis; Congenital bilateral aplasia of vas deferens from CFTR mutation. Last evaluated: 2022-05-12. Review status: criteria provided, single submitter. Criteria: ACMG Guidelines, 2015. Collection method: clinical testing. Allele origin: unknown.

Genome-Nilou Lab
Classification: Uncertain significance for Cystic fibrosis. Last evaluated: 2021-09-05. Review status: criteria provided, single submitter. Criteria: ACMG Guidelines, 2015. Collection method: clinical testing. Allele origin: germline. Affected: no.

Labcorp Genetics (formerly Invitae), Labcorp
Classification: Uncertain significance for Cystic fibrosis. Last evaluated: 2021-08-31. Review status: criteria provided, single submitter. Criteria: Invitae Variant Classification Sherloc (09022015). Collection method: clinical testing. Allele origin: germline.
Comment: This sequence change replaces glycine with cysteine at codon 1047 of the CFTR protein (p.Gly1047Cys). The glycine residue is weakly conserved and there is a large physicochemical difference between glycine and cysteine. This variant also falls at the last nucleotide of exon 19, which is part of the consensus splice site for this exon. This variant is not present in population databases (ExAC no frequency). This variant has not been reported in the literature in individuals affected with CFTR-related conditions. ClinVar contains an entry for this variant (Variation ID: 283775). Algorithms developed to predict the effect of missense changes on protein structure and function are either unavailable or do not agree on the potential impact of this missense change (SIFT: "Deleterious"; PolyPhen-2: "Benign"; Align-GVGD: "Class C15"). Variants that disrupt the consensus splice site are a relatively common cause of aberrant splicing (PMID: 17576681, 9536098). Algorithms developed to predict the effect of sequence changes on RNA splicing suggest that this variant may disrupt the consensus splice site. In summary, the available evidence is currently insufficient to determine the role of this variant in disease. Therefore, it has been classified as a Variant of Uncertain Significance.

Mendelics
Classification: Uncertain significance for Cystic fibrosis. Last evaluated: 2018-11-05. Review status: criteria provided, single submitter. Criteria: Mendelics Assertion Criteria 2017. Collection method: clinical testing. Allele origin: unknown. Affected: yes.

Eurofins Ntd Llc (ga)
Classification: Uncertain significance. Last evaluated: 2015-10-02. Review status: criteria provided, single submitter. Criteria: EGL Classification Definitions 2015. Collection method: clinical testing. Allele origin: germline. Observed: 1 variant allele, 1 heterozygote.

Literature cited by the submitters: PubMed 17576681 (cited by Labcorp Genetics (formerly Invitae), Labcorp); PubMed 9536098 (cited by Labcorp Genetics (formerly Invitae), Labcorp).

NM_000492.4(CFTR):c.3139G>T (p.Gly1047Cys)

Genes: CFTR (CF transmembrane conductance regulator; plus strand), CFTR-AS2 (CFTR antisense RNA 2; minus strand), LOC111674472 (DNase I hypersensitive sites in introns 16 and 17a of CFTR; plus strand). Cytogenetic location: 7q31.2.
Variant type: single nucleotide variant.
Coding change: c.3139G>T on transcript NM_000492.4 (MANE Select); coding-DNA position 3139, G replaced by T.
Protein change: p.Gly1047Cys; replaces glycine 1047 with cysteine.
Molecular consequence: missense variant.
Genome position (GRCh38, 1-based): chr7:117,610,669, G>T. VCF-style: chr7-117610669-G-T. GRCh37 (hg19) VCF-style: chr7-117250723-G-T.
Other names: short protein forms G1047C.
Identifiers: ClinVar variation 283775 (VCV000283775.16), dbSNP rs397508504, ClinGen allele CA10604591.
Genomic context (GRCh38, chr7:117,610,669, plus strand): 5'-ATTATGTTGAGAGCATATTTCCTCCAAACCTCACAGCAACTCAAACAACTGGAATCTGAA[G>T]GTATGACAGTGAATGTGCGATACTCATCTTGTAAAAAAGCTATAAGAGCTATTTGAGATT-3'
Protein context (NP_000483.3, residues 1037-1057): SQQLKQLESE[Gly1047Cys]RSPIFTHLVT